The following is an entry in ClinVar:

NM_001037333.3(CYFIP2):c.3367T>C (p.Cys1123Arg)

Genes: CYFIP2 (cytoplasmic FMR1 interacting protein 2; plus strand), NIPAL4-DT (NIPAL4 divergent transcript; minus strand). Cytogenetic location: 5q33.3.
Variant type: single nucleotide variant.
Coding change: c.3367T>C on transcript NM_001037333.3 (MANE Select); coding-DNA position 3367, T replaced by C.
Protein change: p.Cys1123Arg; replaces cysteine 1123 with arginine.
Molecular consequence: missense variant.
Genome position (GRCh38, 1-based): chr5:157,389,348, T>C. VCF-style: chr5-157389348-T-C. GRCh37 (hg19) VCF-style: chr5-156816356-T-C.
Other names: c.3289T>C, p.Cys1097Arg (NM_001291721.2); c.3442T>C, p.Cys1148Arg (NM_001291722.2); c.3367T>C, p.Cys1123Arg (NM_014376.4); short protein forms C1123R, C1097R, C1148R.
Identifiers: ClinVar variation 4697416 (VCV004697416.1).

ClinVar aggregate classification (germline): Uncertain significance (1 of 4 stars; one submission).

gnomAD v4.1: 2 of 1,613,782 alleles (0.00012%); highest among the groups gnomAD compares: Non-Finnish European, 0.00017%; no homozygotes.

Submission:

Labcorp Genetics (formerly Invitae), Labcorp
Classification: Uncertain significance. Last evaluated: 2025-12-26. Review status: criteria provided, single submitter. Criteria: Invitae Variant Classification Sherloc (09022015). Collection method: clinical testing. Allele origin: germline.
Comment: This sequence change replaces cysteine, which is neutral and slightly polar, with arginine, which is basic and polar, at codon 1123 of the CYFIP2 protein (p.Cys1123Arg). This variant is present in population databases (rs779892555, gnomAD 0.006%). This variant has not been reported in the literature in individuals affected with CYFIP2-related conditions. Experimental studies and prediction algorithms are not available or were not evaluated, and the functional significance of this variant is currently unknown. In summary, the available evidence is currently insufficient to determine the role of this variant in disease. Therefore, it has been classified as a Variant of Uncertain Significance.